The following is an entry in ClinVar:

NM_133178.4(PTPRU):c.615C>T (p.Asn205=)

Gene: PTPRU (protein tyrosine phosphatase receptor type U; plus strand). Cytogenetic location: 1p35.3.
Variant type: single nucleotide variant.
Coding change: c.615C>T on transcript NM_133178.4 (MANE Select); coding-DNA position 615, C replaced by T.
Protein change: p.Asn205=; no amino-acid change (asparagine 205 retained).
Molecular consequence: synonymous variant.
Genome position (GRCh38, 1-based): chr1:29,259,504, C>T. VCF-style: chr1-29259504-C-T. GRCh37 (hg19) VCF-style: chr1-29586016-C-T.
Other names: c.615C>T, p.Asn205= (NM_001195001.2, NM_005704.5, NM_133177.4).
Identifiers: ClinVar variation 3054887 (VCV003054887.2), dbSNP rs370586274, ClinGen allele CA726147.

ClinVar aggregate classification (germline): Likely benign (0 of 4 stars; one submission).

Conditions:
PTPRU-related disorder. Also called: PTPRU-related condition.

Allele frequency attached by ClinVar (database versions not stated): gnomAD 0.00005; ESP Exome Variant Server 0.00015; TOPMed 0.00036.
gnomAD v4.1: 99 of 1,604,902 alleles (0.0062%); highest among the groups gnomAD compares: Non-Finnish European, 0.005%; 1 homozygote.

Submission:

PreventionGenetics, part of Exact Sciences
Classification: Likely benign for PTPRU-related condition. Last evaluated: 2023-02-17. Review status: no assertion criteria provided. Collection method: clinical testing. Allele origin: germline.
Comment: This variant is classified as likely benign based on ACMG/AMP sequence variant interpretation guidelines (Richards et al. 2015 PMID: 25741868, with internal and published modifications).